The following is an entry in ClinVar:

ClinVar aggregate classification (germline): Uncertain significance. Review status: criteria provided, multiple submitters, no conflicts (2 of 4 stars). 2 submissions from 2 submitters: Uncertain significance (2). Last evaluated 2023-05-26.

Conditions:
Hypertrophic cardiomyopathy 14. Identifiers: MedGen C2750467, MONDO:0013197, OMIM 613251.
Cardiovascular phenotype. Identifiers: MedGen CN230736.

Allele frequency attached by ClinVar (database versions not stated): TOPMed below 0.00001.

Submissions (2):

Ambry Genetics
Classification: Uncertain significance for Cardiovascular phenotype. Last evaluated: 2023-05-26. Review status: criteria provided, single submitter. Criteria: Ambry Variant Classification Scheme 2023. Collection method: clinical testing. Allele origin: germline.
Comment: The p.D1017N variant (also known as c.3049G>A), located in coding exon 21 of the MYH6 gene, results from a G to A substitution at nucleotide position 3049. The aspartic acid at codon 1017 is replaced by asparagine, an amino acid with highly similar properties. This amino acid position is highly conserved in available vertebrate species. In addition, the in silico prediction for this alteration is inconclusive. Since supporting evidence is limited at this time, the clinical significance of this alteration remains unclear.

Labcorp Genetics (formerly Invitae), Labcorp
Classification: Uncertain significance for Hypertrophic cardiomyopathy 14. Last evaluated: 2019-12-18. Review status: criteria provided, single submitter. Criteria: Invitae Variant Classification Sherloc (09022015). Collection method: clinical testing. Allele origin: germline.
Comment: This variant is not present in population databases (ExAC no frequency). This sequence change replaces aspartic acid with asparagine at codon 1017 of the MYH6 protein (p.Asp1017Asn). The aspartic acid residue is weakly conserved and there is a small physicochemical difference between aspartic acid and asparagine. This variant has not been reported in the literature in individuals with MYH6-related conditions. ClinVar contains an entry for this variant (Variation ID: 519174). Algorithms developed to predict the effect of missense changes on protein structure and function are either unavailable or do not agree on the potential impact of this missense change (SIFT: "Tolerated"; PolyPhen-2: "Probably Damaging"; Align-GVGD: "Class C0"). In summary, the available evidence is currently insufficient to determine the role of this variant in disease. Therefore, it has been classified as a Variant of Uncertain Significance.

NM_002471.4(MYH6):c.3049G>A (p.Asp1017Asn)

Gene: MYH6 (myosin heavy chain 6; minus strand). Cytogenetic location: 14q11.2.
Variant type: single nucleotide variant.
Coding change: c.3049G>A on transcript NM_002471.4 (MANE Select); coding-DNA position 3049, G replaced by A.
Protein change: p.Asp1017Asn; replaces aspartic acid 1017 with asparagine.
Molecular consequence: missense variant.
Genome position (GRCh38, 1-based): chr14:23,393,398, C>T on the plus strand (G>A on the coding strand, the complement: MYH6 is on the minus strand). VCF-style: chr14-23393398-C-T. GRCh37 (hg19) VCF-style: chr14-23862607-C-T.
Other names: short protein forms D1017N.
Identifiers: ClinVar variation 519174 (VCV000519174.17), dbSNP rs1555333948, ClinGen allele CA389010532.